The following is an entry in ClinVar:

ClinVar aggregate classification (germline): Uncertain significance. Review status: criteria provided, multiple submitters, no conflicts (2 of 4 stars). 2 submissions from 2 submitters: Uncertain significance (2). Last evaluated 2024-10-07.

Conditions:
Hereditary cancer-predisposing syndrome. Also called: Hereditary neoplastic syndrome; Tumor predisposition; Neoplastic Syndromes, Hereditary; Hereditary Cancer Syndrome. Identifiers: Orphanet 140162, MedGen C0027672, MeSH D009386, MONDO:0015356.

Allele frequency attached by ClinVar (database versions not stated): gnomAD exomes below 0.00001.
gnomAD v4.1: 1 of 1,614,098 alleles (0.000062%); highest among the groups gnomAD compares: Non-Finnish European, 0.000085%; no homozygotes.

Submissions (2):

Ambry Genetics
Classification: Uncertain significance for Hereditary cancer-predisposing syndrome. Last evaluated: 2024-10-07. Review status: criteria provided, single submitter. Criteria: Ambry Variant Classification Scheme 2023. Collection method: clinical testing. Allele origin: germline.
Comment: The p.S433P variant (also known as c.1297T>C), located in coding exon 8 of the MSH3 gene, results from a T to C substitution at nucleotide position 1297. The serine at codon 433 is replaced by proline, an amino acid with similar properties. This amino acid position is conserved. In addition, this alteration is predicted to be deleterious by in silico analysis. Since supporting evidence is limited at this time, the clinical significance of this alteration remains unclear.

Labcorp Genetics (formerly Invitae), Labcorp
Classification: Uncertain significance. Last evaluated: 2023-05-08. Review status: criteria provided, single submitter. Criteria: Invitae Variant Classification Sherloc (09022015). Collection method: clinical testing. Allele origin: germline.
Comment: ClinVar contains an entry for this variant (Variation ID: 953322). An algorithm developed to predict the effect of missense changes on protein structure and function (PolyPhen-2) suggests that this variant is likely to be disruptive. In summary, the available evidence is currently insufficient to determine the role of this variant in disease. Therefore, it has been classified as a Variant of Uncertain Significance. This variant has not been reported in the literature in individuals affected with MSH3-related conditions. The frequency data for this variant in the population databases is considered unreliable, as metrics indicate poor data quality at this position in the gnomAD database. This sequence change replaces serine, which is neutral and polar, with proline, which is neutral and non-polar, at codon 433 of the MSH3 protein (p.Ser433Pro).

NM_002439.5(MSH3):c.1297T>C (p.Ser433Pro)

Gene: MSH3 (mutS homolog 3; plus strand). Cytogenetic location: 5q14.1.
Variant type: single nucleotide variant.
Coding change: c.1297T>C on transcript NM_002439.5 (MANE Select); coding-DNA position 1297, T replaced by C.
Protein change: p.Ser433Pro; replaces serine 433 with proline.
Molecular consequence: missense variant.
Genome position (GRCh38, 1-based): chr5:80,679,050, T>C. VCF-style: chr5-80679050-T-C. GRCh37 (hg19) VCF-style: chr5-79974869-T-C.
Other names: short protein forms S433P.
Identifiers: ClinVar variation 953322 (VCV000953322.13), dbSNP rs1391263628, ClinGen allele CA360269064.